The following is an entry in ClinVar:

NM_000383.4(AIRE):c.936C>T (p.Asp312=)

Gene: AIRE (autoimmune regulator; plus strand). Cytogenetic location: 21q22.3.
Variant type: single nucleotide variant.
Coding change: c.936C>T on transcript NM_000383.4 (MANE Select); coding-DNA position 936, C replaced by T.
Protein change: p.Asp312=; no amino-acid change (aspartic acid 312 retained).
Molecular consequence: synonymous variant.
Genome position (GRCh38, 1-based): chr21:44,291,151, C>T. VCF-style: chr21-44291151-C-T. GRCh37 (hg19) VCF-style: chr21-45711034-C-T.
Identifiers: ClinVar variation 742362 (VCV000742362.15), dbSNP rs147889221, ClinGen allele CA10051860.

ClinVar aggregate classification (germline): Likely benign. Review status: criteria provided, multiple submitters, no conflicts (2 of 4 stars). 5 submissions from 5 submitters: Likely benign (3). 2 of the submissions do not count toward it. Last evaluated 2026-01-25.

Conditions:
AIRE-related disorder. Also called: AIRE-related condition.
Polyglandular autoimmune syndrome, type 1 (APS1). Also called: AUTOIMMUNE POLYENDOCRINE SYNDROME, TYPE I, WITH OR WITHOUT REVERSIBLE METAPHYSEAL DYSPLASIA; PGA I; Autoimmune polyendocrinopathy syndrome , type I, with or without reversible metaphyseal dysplasia; APS I; Autoimmune polyendocrine syndrome type 1; Whitaker syndrome. Identifiers: Orphanet 3453, MedGen C0085859, MONDO:0009411, OMIM 240300.

Allele frequency attached by ClinVar (database versions not stated): ExAC 0.00005; gnomAD exomes 0.00005; gnomAD 0.00013 and 0.00015; TOPMed 0.00017; ESP Exome Variant Server 0.00023.
gnomAD v4.1: 100 of 1,610,124 alleles (0.0062%); highest among the groups gnomAD compares: African/African-American, 0.049%; no homozygotes.

Submissions (5):

Labcorp Genetics (formerly Invitae), Labcorp
Classification: Likely benign for Polyglandular autoimmune syndrome, type 1. Last evaluated: 2026-01-25. Review status: criteria provided, single submitter. Criteria: Invitae Variant Classification Sherloc (09022015). Collection method: clinical testing. Allele origin: germline.

Blueprint Genetics
Classification: Likely benign. Last evaluated: 2024-07-09. Review status: criteria provided, single submitter. Criteria: ACMG Guidelines, 2015. Collection method: clinical testing. Allele origin: germline.

Athena Diagnostics
Classification: Likely benign. Last evaluated: 2019-08-12. Review status: criteria provided, single submitter. Criteria: Athena Diagnostics Criteria. Collection method: clinical testing. Allele origin: germline.

PreventionGenetics, part of Exact Sciences
Classification: Likely benign for AIRE-related condition. Last evaluated: 2023-05-11. Review status: no assertion criteria provided. Collection method: clinical testing. Allele origin: germline. Not counted in ClinVar's aggregate classification.
Comment: This variant is classified as likely benign based on ACMG/AMP sequence variant interpretation guidelines (Richards et al. 2015 PMID: 25741868, with internal and published modifications).

Natera, Inc.
Classification: Likely benign for Polyglandular autoimmune syndrome type 1. Last evaluated: 2020-04-29. Review status: no assertion criteria provided. Collection method: clinical testing. Allele origin: germline. Not counted in ClinVar's aggregate classification.